The following is an entry in ClinVar:

NM_000528.4(MAN2B1):c.55G>A (p.Ala19Thr)

Genes: MAN2B1 (mannosidase alpha class 2B member 1; minus strand), LOC130063650 (ATAC-STARR-seq lymphoblastoid silent region 10156; plus strand). Cytogenetic location: 19p13.13.
Variant type: single nucleotide variant.
Coding change: c.55G>A on transcript NM_000528.4 (MANE Select); coding-DNA position 55, G replaced by A.
Protein change: p.Ala19Thr; replaces alanine 19 with threonine.
Molecular consequence: missense variant.
Genome position (GRCh38, 1-based): chr19:12,666,647, C>T on the plus strand (G>A on the coding strand, the complement: MAN2B1 is on the minus strand). VCF-style: chr19-12666647-C-T. GRCh37 (hg19) VCF-style: chr19-12777461-C-T.
Other names: c.55G>A, p.Ala19Thr (NM_001173498.2); short protein forms A19T.
Identifiers: ClinVar variation 1486387 (VCV001486387.3), dbSNP rs1346520961, ClinGen allele CA404260921.

ClinVar aggregate classification (germline): Uncertain significance (1 of 4 stars; one submission).

Conditions:
Deficiency of alpha-mannosidase (MANSA). Also called: Alpha-Mannosidosis; LYSOSOMAL ALPHA-D-MANNOSIDASE DEFICIENCY; Mannosidosis, alpha-, types I and II. Identifiers: Orphanet 61, MedGen C0024748, MONDO:0009561, OMIM 248500.

Allele frequency attached by ClinVar (database versions not stated): gnomAD 0.00001; gnomAD exomes 0.00001; TOPMed 0.00001.
gnomAD v4.1: 14 of 1,553,534 alleles (0.0009%); highest among the groups gnomAD compares: Non-Finnish European, 0.0012%; no homozygotes.

Submission:

Labcorp Genetics (formerly Invitae), Labcorp
Classification: Uncertain significance for Deficiency of alpha-mannosidase. Last evaluated: 2021-09-24. Review status: criteria provided, single submitter. Criteria: Invitae Variant Classification Sherloc (09022015). Collection method: clinical testing. Allele origin: germline.
Comment: This sequence change replaces alanine with threonine at codon 19 of the MAN2B1 protein (p.Ala19Thr). The alanine residue is weakly conserved and there is a small physicochemical difference between alanine and threonine. The frequency data for this variant in the population databases is considered unreliable, as metrics indicate insufficient coverage at this position in the ExAC database. This variant has not been reported in the literature in individuals with MAN2B1-related conditions. Algorithms developed to predict the effect of missense changes on protein structure and function (SIFT, PolyPhen-2, Align-GVGD) all suggest that this variant is likely to be tolerated, but these predictions have not been confirmed by published functional studies and their clinical significance is uncertain. In summary, the available evidence is currently insufficient to determine the role of this variant in disease. Therefore, it has been classified as a Variant of Uncertain Significance.